The following is an entry in ClinVar:

ClinVar aggregate classification (germline): Pathogenic (1 of 4 stars; one submission).

Conditions:
Finnish congenital nephrotic syndrome (NPHS1). Also called: NEPHROTIC SYNDROME, TYPE 1. Identifiers: Orphanet 839, MedGen C0403399, MONDO:0009732, OMIM 256300.

Submission:

Myriad Genetics, Inc.
Classification: Pathogenic for Finnish congenital nephrotic syndrome. Last evaluated: 2025-05-14. Review status: criteria provided, single submitter. Criteria: Myriad Autosomal Dominant, Autosomal Recessive and X-Linked Classification Criteria (2023). Collection method: clinical testing. Allele origin: unknown.
Comment: NM_004646.3(NPHS1):c.2478_2479delAC(R827Tfs*21) is expected to be pathogenic in the context of nephrotic syndrome, NPHS1-related. This variant is predicted to lead to an abnormal or absent protein product due to the creation of a premature termination codon in NPHS1, a gene where loss-of-function variants are known to be pathogenic. Please note: this variant was assessed in the context of healthy population screening.

NM_004646.4(NPHS1):c.2478_2479del (p.Arg827fs)

Gene: NPHS1 (NPHS1 adhesion molecule, nephrin; minus strand). Cytogenetic location: 19q13.12.
Variant type: Deletion.
Coding change: c.2478_2479del on transcript NM_004646.4 (MANE Select); coding-DNA positions 2478 to 2479, 2 bases deleted (AC; older notation c.2478_2479delAC).
Protein change: p.Arg827fs; shifts the reading frame from arginine 827.
Molecular consequence: frameshift variant.
Genome position (GRCh38, 1-based): chr19:35,842,406-35,842,407, GT deleted on the plus strand (AC on the coding strand, the reverse complement: NPHS1 is on the minus strand); deleting any 2 consecutive bases within chr19:35,842,406-35,842,408 gives the same sequence; the c. name uses the placement nearest the transcript's 3' end. VCF-style (leftmost placement, unchanged base first): chr19-35842405-CGT-C. GRCh37 (hg19) VCF-style: chr19-36333307-CGT-C.
Other names: short protein forms R827fs.
Identifiers: ClinVar variation 5014441 (VCV005014441.1).